The following is an entry in ClinVar:

NC_000010.10:g.(?_68040218)_(68040389_?)del

Gene: CTNNA3 (catenin alpha 3; minus strand). Cytogenetic location: 10q21.3.
Variant type: Deletion.
Identifiers: ClinVar variation 1036348 (VCV001036348.1).

ClinVar aggregate classification (germline): Uncertain significance (1 of 4 stars; one submission).

Conditions:
Arrhythmogenic right ventricular dysplasia 13. Also called: ARRHYTHMOGENIC RIGHT VENTRICULAR CARDIOMYOPATHY 13; Arrhythmogenic right ventricular dysplasia, familial, 13. Identifiers: MedGen C3810138, MONDO:0000908, OMIM 615616.

Submission:

Labcorp Genetics (formerly Invitae), Labcorp
Classification: Uncertain significance for Arrhythmogenic right ventricular dysplasia 13. Last evaluated: 2020-09-24. Review status: criteria provided, single submitter. Criteria: Invitae Variant Classification Sherloc (09022015). Collection method: clinical testing. Allele origin: germline.
Comment: This variant is an out-of-frame deletion of the genomic region encompassing exon 13 of the CTNNA3 gene that creates a premature translational stop signal in the CTNNA3 gene. It is expected to result in an absent or disrupted protein product. This variant has not been reported in the literature in individuals with CTNNA3-related disease. The current clinical and genetic evidence is not sufficient to establish whether loss-of-function variants in CTNNA3 cause disease. In summary, the available evidence is currently insufficient to determine the role of this variant in disease. Therefore, it has been classified as a Variant of Uncertain Significance.